The following is an entry in ClinVar:

ClinVar aggregate classification (germline): Uncertain significance. Review status: criteria provided, multiple submitters, no conflicts (2 of 4 stars). 3 submissions from 3 submitters: Uncertain significance (3). Last evaluated 2025-01-14.

Conditions:
Hereditary cancer-predisposing syndrome. Also called: Tumor predisposition; Hereditary Cancer Syndrome; Neoplastic Syndromes, Hereditary; Hereditary neoplastic syndrome. Identifiers: Orphanet 140162, MedGen C0027672, MeSH D009386, MONDO:0015356.
Familial melanoma. Also called: Hereditary melanoma; Hereditary cutaneous melanoma. Identifiers: Orphanet 618, MedGen C1512419, MONDO:0018961.

Allele frequency attached by ClinVar (database versions not stated): TOPMed below 0.00001.

Submissions (3):

Ambry Genetics
Classification: Uncertain significance for Hereditary cancer-predisposing syndrome. Last evaluated: 2025-01-14. Review status: criteria provided, single submitter. Criteria: Ambry Variant Classification Scheme 2023. Collection method: clinical testing. Allele origin: germline.
Comment: The p.D116E variant (also known as c.348C>A), located in coding exon 2 of the CDKN2A gene, results from a C to A substitution at nucleotide position 348. The aspartic acid at codon 116 is replaced by glutamic acid, an amino acid with highly similar properties. Of note, this alteration is also known as p.P131T (c.391C>A)in the p14(ARF) isoform. This amino acid position is highly conserved in available vertebrate species. In addition, this alteration is predicted to be deleterious by in silico analysis. Based on the available evidence, the clinical significance of this variant remains unclear.

Labcorp Genetics (formerly Invitae), Labcorp
Classification: Uncertain significance for Familial melanoma. Last evaluated: 2024-04-22. Review status: criteria provided, single submitter. Criteria: Invitae Variant Classification Sherloc (09022015). Collection method: clinical testing. Allele origin: germline.
Comment: The CDKN2A gene encodes two different proteins, p16INK4a and p14ARF, which are translated from alternative transcripts with different open reading frames. Both transcripts have been analyzed. We report either the variant with the higher classification or default to the CDKN2A (p16INK4a) variant. This report therefore includes the details for the CDKN2A (p16INK4a) variant. This sequence change replaces aspartic acid, which is acidic and polar, with glutamic acid, which is acidic and polar, at codon 116 of the CDKN2A (p16INK4a) protein (p.Asp116Glu). This variant is not present in population databases (gnomAD no frequency). This variant has not been reported in the literature in individuals affected with CDKN2A (p16INK4a)-related conditions. This variant is also known as c.391C>A (p.Pro131Thr) in the CDKN2A (p14ARF) transcript. ClinVar contains an entry for this variant (Variation ID: 489867). An algorithm developed to predict the effect of missense changes on protein structure and function (PolyPhen-2) suggests that this variant is likely to be tolerated. In summary, the available evidence is currently insufficient to determine the role of this variant in disease. Therefore, it has been classified as a Variant of Uncertain Significance.

Color Diagnostics, LLC DBA Color Health
Classification: Uncertain significance for Hereditary cancer-predisposing syndrome. Last evaluated: 2023-03-15. Review status: criteria provided, single submitter. Criteria: ACMG Guidelines, 2015. Collection method: clinical testing. Allele origin: germline.
Comment: The CDKN2A locus encodes two different gene products, p16INK4a and p14ARF. This missense variant replaces aspartic acid with glutamic acid at codon 116 of the CDKN2A (p16INK4A) protein. Computational prediction suggests that this variant may not impact protein structure and function (internally defined REVEL score threshold <= 0.5, PMID: 27666373). To our knowledge, functional studies have not been reported for this variant. This variant has not been reported in individuals affected with hereditary cancer in the literature. This variant has not been identified in the general population by the Genome Aggregation Database (gnomAD). The available evidence is insufficient to determine the role of this variant in disease conclusively. Therefore, this variant is classified as a Variant of Uncertain Significance.

NM_000077.5(CDKN2A):c.348C>A (p.Asp116Glu)

Gene: CDKN2A (cyclin dependent kinase inhibitor 2A; minus strand). Cytogenetic location: 9p21.3.
Variant type: single nucleotide variant.
Coding change: c.348C>A on transcript NM_000077.5; coding-DNA position 348, C replaced by A.
Protein change: p.Asp116Glu; replaces aspartic acid 116 with glutamic acid.
Molecular consequence: missense variant (on NM_000077.6). On other transcripts: 3 prime UTR variant (1).
Genome position (GRCh38, 1-based): chr9:21,971,011, G>T on the plus strand (C>A on the coding strand, the complement: CDKN2A is on the minus strand). VCF-style: chr9-21971011-G-T. GRCh37 (hg19) VCF-style: chr9-21971010-G-T.
Other names: c.348C>A, p.Asp116Glu (NM_000077.6, NM_001195132.2); c.195C>A, p.Asp65Glu (NM_001363763.2); c.391C>A, p.Pro131Thr (NM_058195.4); c.*271C>A (NM_058197.5); short protein forms D116E, P131T, D65E.
Identifiers: ClinVar variation 489867 (VCV000489867.18), dbSNP rs995881157, ClinGen allele CA190729834.